The following is an entry in ClinVar:

ClinVar aggregate classification (germline): Uncertain significance (1 of 4 stars; one submission).

Conditions:
Leukoencephalopathy-thalamus and brainstem anomalies-high lactate syndrome. Also called: LEUKOENCEPHALOPATHY WITH THALAMUS AND BRAINSTEM INVOLVEMENT AND HIGH LACTATE; Combined oxidative phosphorylation deficiency 12. Identifiers: Orphanet 314051, MedGen C4706421, MONDO:0013971, OMIM 614924.

Allele frequency attached by ClinVar (database versions not stated): gnomAD exomes below 0.00001.

Submission:

Victorian Clinical Genetics Services, Murdoch Childrens Research Institute
Classification: Uncertain significance for Leukoencephalopathy-thalamus and brainstem anomalies-high lactate syndrome. Last evaluated: 2019-08-28. Review status: criteria provided, single submitter. Criteria: ACMG Guidelines, 2015. Collection method: clinical testing. Allele origin: germline. Inheritance: Autosomal recessive inheritance. Affected: yes.
Comment: A heterozygous deletion variant was identified, NM_001308211.1(EARS2):c.1549delC in exon 8 of 8 of the EARS2 gene (NB: This variant is non-coding in the predominant transcript, NM_001083614.1). This deletion is predicted to cause a frameshift from amino acid position 517 introducing a stop codon 15 residues downstream, NP_001295140.1(EARS2):p.(His517Ilefs*15), resulting in loss of normal protein function through truncation. The variant is not present in the gnomAD population database. It has not been previously observed in clinical cases. No additional variants also resulting in a premature stop codon have been reported downstream. Based on information available at the time of curation, this variant has been classified as a VARIANT of UNCERTAIN SIGNIFICANCE (VUS).

NM_001083614.2(EARS2):c.1488+61del

Gene: EARS2 (glutamyl-tRNA synthetase 2, mitochondrial; minus strand). Cytogenetic location: 16p12.2.
Variant type: Deletion.
Coding change: c.1488+61del on transcript NM_001083614.2 (MANE Select); 61 bases into the intron after coding-DNA position 1488, one base deleted (C; older notation c.1488+61delC).
Molecular consequence: intron variant. On other transcripts: frameshift variant (2).
Genome position (GRCh38, 1-based): chr16:23,525,183, G deleted on the plus strand (C on the coding strand, the reverse complement: EARS2 is on the minus strand). VCF-style (leftmost placement, unchanged base first): chr16-23525182-TG-T. GRCh37 (hg19) VCF-style: chr16-23536503-TG-T.
Other names: c.1549del, p.His517fs (NM_001308211.1); c.1549delC (NM_001308211.1); short protein forms H517fs.
Identifiers: ClinVar variation 1805695 (VCV001805695.1), dbSNP rs1965204005, ClinGen allele CA913203527.